The following is an entry in ClinVar:

NM_004064.5(CDKN1B):c.14G>A (p.Arg5Gln)

Gene: CDKN1B (cyclin dependent kinase inhibitor 1B; plus strand). Cytogenetic location: 12p13.1.
Variant type: single nucleotide variant.
Coding change: c.14G>A on transcript NM_004064.5 (MANE Select); coding-DNA position 14, G replaced by A.
Protein change: p.Arg5Gln; replaces arginine 5 with glutamine.
Molecular consequence: missense variant.
Genome position (GRCh38, 1-based): chr12:12,717,853, G>A. VCF-style: chr12-12717853-G-A. GRCh37 (hg19) VCF-style: chr12-12870787-G-A.
Other names: short protein forms R5Q.
Identifiers: ClinVar variation 838842 (VCV000838842.10), dbSNP rs1408164050, ClinGen allele CA383967915.

ClinVar aggregate classification (germline): Uncertain significance. Review status: criteria provided, multiple submitters, no conflicts (2 of 4 stars). 2 submissions from 2 submitters: Uncertain significance (2). Last evaluated 2024-02-24.

Conditions:
Multiple endocrine neoplasia type 4. Also called: MULTIPLE ENDOCRINE NEOPLASIA, TYPE IV. Identifiers: Orphanet 276152, MedGen C1970712, MONDO:0012552, OMIM 610755.
Hereditary cancer-predisposing syndrome. Also called: Neoplastic Syndromes, Hereditary; Hereditary neoplastic syndrome; Tumor predisposition; Hereditary Cancer Syndrome. Identifiers: Orphanet 140162, MedGen C0027672, MeSH D009386, MONDO:0015356.

Allele frequency attached by ClinVar (database versions not stated): gnomAD exomes below 0.00001; gnomAD 0.00001; TOPMed 0.00001.

Submissions (2):

Ambry Genetics
Classification: Uncertain significance for Hereditary cancer-predisposing syndrome. Last evaluated: 2024-02-24. Review status: criteria provided, single submitter. Criteria: Ambry Variant Classification Scheme 2023. Collection method: clinical testing. Allele origin: germline.
Comment: The p.R5Q variant (also known as c.14G>A), located in coding exon 1 of the CDKN1B gene, results from a G to A substitution at nucleotide position 14. The arginine at codon 5 is replaced by glutamine, an amino acid with highly similar properties. This amino acid position is conserved. In addition, the in silico prediction for this alteration is inconclusive. Since supporting evidence is limited at this time, the clinical significance of this alteration remains unclear.

Labcorp Genetics (formerly Invitae), Labcorp
Classification: Uncertain significance for Multiple endocrine neoplasia type 4. Last evaluated: 2024-02-07. Review status: criteria provided, single submitter. Criteria: Invitae Variant Classification Sherloc (09022015). Collection method: clinical testing. Allele origin: germline.
Comment: This sequence change replaces arginine, which is basic and polar, with glutamine, which is neutral and polar, at codon 5 of the CDKN1B protein (p.Arg5Gln). This variant is present in population databases (no rsID available, gnomAD 0.0009%). This variant has not been reported in the literature in individuals affected with CDKN1B-related conditions. ClinVar contains an entry for this variant (Variation ID: 838842). An algorithm developed to predict the effect of missense changes on protein structure and function (PolyPhen-2) suggests that this variant is likely to be disruptive. In summary, the available evidence is currently insufficient to determine the role of this variant in disease. Therefore, it has been classified as a Variant of Uncertain Significance.